The following is an entry in ClinVar:

NM_014285.7(EXOSC2):c.160G>A (p.Ala54Thr)

Gene: EXOSC2 (exosome component 2; plus strand). Cytogenetic location: 9q34.12.
Variant type: single nucleotide variant.
Coding change: c.160G>A on transcript NM_014285.7 (MANE Select); coding-DNA position 160, G replaced by A.
Protein change: p.Ala54Thr; replaces alanine 54 with threonine.
Molecular consequence: missense variant. On other transcripts: non-coding transcript variant (1).
Genome position (GRCh38, 1-based): chr9:130,695,529, G>A. VCF-style: chr9-130695529-G-A. GRCh37 (hg19) VCF-style: chr9-133570916-G-A.
Other names: c.160G>A, p.Ala54Thr (NM_001282708.1, NM_001282709.1); short protein forms A54T.
Identifiers: ClinVar variation 2049424 (VCV002049424.4), dbSNP rs1831073573, ClinGen allele CA375246405.
Genomic context (GRCh38, chr9:130,695,529, plus strand): 5'-TTTGTATCTTCGCCTTGCATCAGGGGCCATGGAACGTATATGGGAGAAGAGAAGCTCATT[G>A]CATCTGTTGCTGGCTCTGTGGAGAGAGTAAACAAGTTGATCTGTGTGAAAGCTTTGAAAA-3'
Protein context (NP_055100.2, residues 44-64): GTYMGEEKLI[Ala54Thr]SVAGSVERVN

ClinVar aggregate classification (germline): Uncertain significance (1 of 4 stars; one submission).

Submission:

Labcorp Genetics (formerly Invitae), Labcorp
Classification: Uncertain significance. Last evaluated: 2021-12-19. Review status: criteria provided, single submitter. Criteria: Invitae Variant Classification Sherloc (09022015). Collection method: clinical testing. Allele origin: germline.
Comment: In summary, the available evidence is currently insufficient to determine the role of this variant in disease. Therefore, it has been classified as a Variant of Uncertain Significance. Algorithms developed to predict the effect of missense changes on protein structure and function are either unavailable or do not agree on the potential impact of this missense change (SIFT: "Deleterious"; PolyPhen-2: "Possibly Damaging"; Align-GVGD: "Class C0"). This variant has not been reported in the literature in individuals affected with EXOSC2-related conditions. This variant is not present in population databases (gnomAD no frequency). This sequence change replaces alanine, which is neutral and non-polar, with threonine, which is neutral and polar, at codon 54 of the EXOSC2 protein (p.Ala54Thr).